The following is an entry in ClinVar:

NM_016507.4(CDK12):c.1607C>T (p.Pro536Leu)

Gene: CDK12 (cyclin dependent kinase 12; plus strand). Cytogenetic location: 17q12.
Variant type: single nucleotide variant.
Coding change: c.1607C>T on transcript NM_016507.4 (MANE Select); coding-DNA position 1607, C replaced by T.
Protein change: p.Pro536Leu; replaces proline 536 with leucine.
Molecular consequence: missense variant.
Genome position (GRCh38, 1-based): chr17:39,471,439, C>T. VCF-style: chr17-39471439-C-T. GRCh37 (hg19) VCF-style: chr17-37627692-C-T.
Other names: c.1607C>T, p.Pro536Leu (NM_015083.4); short protein forms P536L.
Identifiers: ClinVar variation 4224337 (VCV004224337.1).

ClinVar aggregate classification (germline): Uncertain significance (1 of 4 stars; one submission).

Submission:

Ambry Genetics
Classification: Uncertain significance. Last evaluated: 2025-08-02. Review status: criteria provided, single submitter. Criteria: Ambry Variant Classification Scheme 2023. Collection method: clinical testing. Allele origin: germline.
Comment: The p.P536L variant (also known as c.1607C>T), located in coding exon 2 of the CDK12 gene, results from a C to T substitution at nucleotide position 1607. The proline at codon 536 is replaced by leucine, an amino acid with similar properties. This amino acid position is conserved. In addition, this alteration is predicted to be tolerated by in silico analysis. Based on the available evidence, the clinical significance of this variant remains unclear.